The following is an entry in ClinVar:

ClinVar aggregate classification (germline): Uncertain significance (1 of 4 stars; one submission).

gnomAD v4.1: 1 of 1,614,064 alleles (0.000062%); highest among the groups gnomAD compares: Non-Finnish European, 0.000085%; no homozygotes.

Submission:

Ambry Genetics
Classification: Uncertain significance. Last evaluated: 2022-10-20. Review status: criteria provided, single submitter. Criteria: Ambry Variant Classification Scheme 2023. Collection method: clinical testing. Allele origin: germline.
Comment: The p.G156A variant (also known as c.467G>C), located in coding exon 3 of the ALPK2 gene, results from a G to C substitution at nucleotide position 467. The glycine at codon 156 is replaced by alanine, an amino acid with similar properties. This amino acid position is conserved. In addition, this alteration is predicted to be tolerated by in silico analysis. Since supporting evidence is limited at this time, the clinical significance of this alteration remains unclear.

NM_052947.4(ALPK2):c.467G>C (p.Gly156Ala)

Gene: ALPK2 (alpha kinase 2; minus strand). Cytogenetic location: 18q21.31.
Variant type: single nucleotide variant.
Coding change: c.467G>C on transcript NM_052947.4 (MANE Select); coding-DNA position 467, G replaced by C.
Protein change: p.Gly156Ala; replaces glycine 156 with alanine.
Molecular consequence: missense variant.
Genome position (GRCh38, 1-based): chr18:58,580,309, C>G on the plus strand (G>C on the coding strand, the complement: ALPK2 is on the minus strand). VCF-style: chr18-58580309-C-G. GRCh37 (hg19) VCF-style: chr18-56247541-C-G.
Other names: short protein forms G156A.
Identifiers: ClinVar variation 1742389 (VCV001742389.2), dbSNP rs2518900203, ClinGen allele CA402567904.